The following is an entry in ClinVar:

ClinVar aggregate classification (germline): Uncertain significance. Review status: criteria provided, multiple submitters, no conflicts (2 of 4 stars). 4 submissions from 4 submitters: Uncertain significance (4). Last evaluated 2025-12-11.

Conditions:
Fanconi anemia complementation group P. Also called: SLX4-Related Fanconi Anemia. Identifiers: Orphanet 84, MedGen C3469542, MONDO:0013499, OMIM 613951.
Fanconi anemia (FA). Also called: Fanconi's anemia. Identifiers: Orphanet 84, MedGen C0015625, MeSH D005199, MONDO:0019391.

Allele frequency attached by ClinVar (database versions not stated): gnomAD 0.00004 and 0.00005; TOPMed 0.00006.

Submissions (4):

Dasa
Classification: Uncertain significance. Last evaluated: 2025-12-11. Review status: criteria provided, single submitter. Criteria: DASA Assertion Criteria. Collection method: clinical testing. Allele origin: germline.
Comment: NM_032444.4(SLX4):c.-602-6C>G is an intronic variant. This variant is rare in population databases. The currently available literature and clinical evidence are not sufficient to establish a definitive association between this variant and the reported condition. Therefore, this variant is classified as a variant of uncertain significance.

GeneDx
Classification: Uncertain significance. Last evaluated: 2022-07-17. Review status: criteria provided, single submitter. Criteria: GeneDx Variant Classification Process June 2021. Collection method: clinical testing. Allele origin: germline. Affected: yes.
Comment: In-silico analysis is inconclusive as to whether the variant alters gene splicing. In the absence of RNA/functional studies, the actual effect of this sequence change is unknown.; Has not been previously published as pathogenic or benign to our knowledge

Sema4
Classification: Uncertain significance for Fanconi anemia. Last evaluated: 2022-03-09. Review status: criteria provided, single submitter. Criteria: Sema4 Curation Guidelines. Collection method: curation. Allele origin: germline.
Comment: The SLX4 c.-602-6C>G variant has not been reported in the literature to our knowledge. This variant was observed in 1/15432 chromosomes in the Non-Finnish European population, according to the Genome Aggregation Database (PMID: 32461654). The variant has been reported in ClinVar (Variation ID 319205). In silico tools that predict the effect of sequence changes on splicing suggest that this variant may not impact splicing, though these predictions have not been confirmed by functional studies. The evidence is insufficient to meet ACMG/AMP criteria for classifying the variant as benign or pathogenic. Thus, the clinical significance of this variant is currently uncertain.

Illumina Laboratory Services, Illumina
Classification: Uncertain significance for Fanconi anemia complementation group P. Last evaluated: 2018-01-13. Review status: criteria provided, single submitter. Criteria: ICSL Variant Classification Criteria 13 December 2019. Collection method: clinical testing. Allele origin: germline.

NM_032444.4(SLX4):c.-602-6C>G

Gene: SLX4 (SLX4 structure-specific endonuclease subunit; minus strand). Cytogenetic location: 16p13.3.
Variant type: single nucleotide variant.
Coding change: c.-602-6C>G on transcript NM_032444.4 (MANE Select); 6 bases into the intron before 602 bases upstream of the start codon, C replaced by G.
Molecular consequence: intron variant.
Genome position (GRCh38, 1-based): chr16:3,609,572, G>C on the plus strand (C>G on the coding strand, the complement: SLX4 is on the minus strand). VCF-style: chr16-3609572-G-C. GRCh37 (hg19) VCF-style: chr16-3659573-G-C.
Other names: c.-602-6C>G (LRG_503t1).
Identifiers: ClinVar variation 319205 (VCV000319205.9), dbSNP rs886051986, ClinGen allele CA10637751.